The following is an entry in ClinVar:

ClinVar aggregate classification (germline): Pathogenic (1 of 4 stars; one submission).

Conditions:
Megacystis-microcolon-intestinal hypoperistalsis syndrome 2. Identifiers: MedGen C5543476, MONDO:0025708, OMIM 619351.

Submission:

3billion
Classification: Pathogenic for Megacystis-microcolon-intestinal hypoperistalsis syndrome 2. Last evaluated: 2024-01-30. Review status: criteria provided, single submitter. Criteria: ACMG Guidelines, 2015. Collection method: clinical testing. Allele origin: germline. Affected: yes.
Comment: The variant is not observed in the gnomAD v2.1.1 dataset. Predicted Consequence/Location: Frameshift: predicted to result in a loss or disruption of normal protein function through nonsense-mediated decay (NMD) or protein truncation. Multiple pathogenic variants are reported downstream of the variant. Therefore, this variant is classified as Pathogenic according to the recommendation of ACMG/AMP guideline.

NM_002474.3(MYH11):c.4435dup (p.Arg1479fs)

Genes: MYH11 (myosin heavy chain 11; minus strand), NDE1 (nudE neurodevelopment protein 1; plus strand). Cytogenetic location: 16p13.11.
Variant type: Duplication.
Coding change: c.4435dup on transcript NM_002474.3 (MANE Select); coding-DNA position 4435, one base duplicated (A; older notation c.4435dupA).
Protein change: p.Arg1479fs; shifts the reading frame from arginine 1479.
Molecular consequence: frameshift variant. On other transcripts: intron variant (2).
Genome position (GRCh38, 1-based): chr16:15,721,565, T duplicated on the plus strand (A on the coding strand, the reverse complement: MYH11 is on the minus strand). VCF-style (leftmost placement, unchanged base first): chr16-15721564-C-CT. GRCh37 (hg19) VCF-style: chr16-15815421-C-CT.
Other names: c.4456dup, p.Arg1486fs (NM_001040113.2, NM_001040114.2); c.4435dup, p.Arg1479fs (NM_022844.3); c.948-2626dup (NM_001143979.2, NM_017668.3); short protein forms R1479fs, R1486fs.
Identifiers: ClinVar variation 3776079 (VCV003776079.1).